The following is an entry in ClinVar:

ClinVar aggregate classification (germline): Benign. Review status: criteria provided, multiple submitters, no conflicts (2 of 4 stars). 2 submissions from 2 submitters: Benign (2). Last evaluated 2018-01-13.

Conditions:
Charcot-Marie-Tooth disease type 1C. Also called: CHARCOT-MARIE-TOOTH DISEASE, DEMYELINATING, TYPE 1C; CMT, SLOW NERVE CONDUCTION TYPE C; HMSN IC; Charcot-Marie-Tooth disease, type IC; CHARCOT-MARIE-TOOTH NEUROPATHY, TYPE 1C; NEUROPATHY, HEREDITARY MOTOR AND SENSORY, TYPE IC. Identifiers: Orphanet 101083, MedGen C0270913, MONDO:0010995, OMIM 601098.

Allele frequency attached by ClinVar (database versions not stated): gnomAD exomes 0.12765 and 0.12248; gnomAD 0.18402 and 0.17808; 1000 Genomes Project 30x 0.16833; TOPMed 0.17949; ExAC 0.10212; 1000 Genomes Project 0.16693.
gnomAD v4.1: 65,674 of 453,402 alleles (14%); highest among the groups gnomAD compares: African/African-American, 29%; 5,495 homozygotes.

Submissions (2):

Illumina Laboratory Services, Illumina
Classification: Benign for Charcot-Marie-Tooth disease type 1C. Last evaluated: 2018-01-13. Review status: criteria provided, single submitter. Criteria: ICSL Variant Classification Criteria 13 December 2019. Collection method: clinical testing. Allele origin: germline.
Comment: This variant was observed in the ICSL laboratory as part of a predisposition screen in an ostensibly healthy population. It had not been previously curated by ICSL or reported in the Human Gene Mutation Database (HGMD: prior to June 1st, 2018), and was therefore a candidate for classification through an automated scoring system. Utilizing variant allele frequency, disease prevalence and penetrance estimates, and inheritance mode, an automated score was calculated to assess if this variant is too frequent to cause the disease. Based on the score and internal cut-off values, a variant classified as benign is not then subjected to further curation. The score for this variant resulted in a classification of benign for this disease.

Breakthrough Genomics
Classification: Benign. Review status: criteria provided, single submitter. Criteria: ACMG Guidelines, 2015. Collection method: not provided. Allele origin: germline. Inheritance: Autosomal dominant inheritance. Affected: yes.

NM_001136472.2(LITAF):c.*796T>C

Gene: LITAF (lipopolysaccharide induced TNF factor; minus strand). Cytogenetic location: 16p13.13.
Variant type: single nucleotide variant.
Coding change: c.*796T>C on transcript NM_001136472.2 (MANE Select); 796 bases downstream of the stop codon, T replaced by C.
Molecular consequence: 3 prime UTR variant. On other transcripts: non-coding transcript variant (1).
Genome position (GRCh38, 1-based): chr16:11,548,841, A>G on the plus strand (T>C on the coding strand, the complement: LITAF is on the minus strand). VCF-style: chr16-11548841-A-G. GRCh37 (hg19) VCF-style: chr16-11642697-A-G.
Other names: c.*921T>C (NM_001136473.1); c.*796T>C (NM_004862.4).
Identifiers: ClinVar variation 317765 (VCV000317765.6), dbSNP rs1198, ClinGen allele CA7903933.